The following is an entry in ClinVar:

ClinVar aggregate classification (germline): Uncertain significance (1 of 4 stars; one submission).

Conditions:
Inborn genetic diseases. Identifiers: MedGen C0950123, MeSH D030342.

Allele frequency attached by ClinVar (database versions not stated): gnomAD exomes below 0.00001; gnomAD 0.00001.

Submission:

Ambry Genetics
Classification: Uncertain significance for Inborn genetic diseases. Last evaluated: 2024-09-25. Review status: criteria provided, single submitter. Criteria: Ambry Variant Classification Scheme 2023. Collection method: clinical testing. Allele origin: germline.
Comment: The p.H230Y variant (also known as c.688C>T), located in coding exon 6 of the LRRK2 gene, results from a C to T substitution at nucleotide position 688. The histidine at codon 230 is replaced by tyrosine, an amino acid with similar properties. This amino acid position is conserved. In addition, this alteration is predicted to be tolerated by in silico analysis. Since supporting evidence is limited at this time, the clinical significance of this alteration remains unclear.

NM_198578.4(LRRK2):c.688C>T (p.His230Tyr)

Gene: LRRK2 (leucine rich repeat kinase 2; plus strand). Cytogenetic location: 12q12.
Variant type: single nucleotide variant.
Coding change: c.688C>T on transcript NM_198578.4 (MANE Select); coding-DNA position 688, C replaced by T.
Protein change: p.His230Tyr; replaces histidine 230 with tyrosine.
Molecular consequence: missense variant.
Genome position (GRCh38, 1-based): chr12:40,240,599, C>T. VCF-style: chr12-40240599-C-T. GRCh37 (hg19) VCF-style: chr12-40634401-C-T.
Other names: short protein forms H230Y.
Identifiers: ClinVar variation 1755988 (VCV001755988.3), dbSNP rs1941680263, ClinGen allele CA384404947.
Genomic context (GRCh38, chr12:40,240,599, plus strand): 5'-AGTGCGTTAACAAATTTTAAAGATGAAGAGGAAATTGTGCTTCATGTGCTGCATTGTTTA[C>T]ATTCCCTAGCGATTCCTTGTAAGTAGCATTTAAATGTTATTTATTTTTTGTATCTGAAAA-3'
Protein context (NP_940980.4, residues 220-240): EIVLHVLHCL[His230Tyr]SLAIPCNNVE